The following is an entry in ClinVar:

ClinVar aggregate classification (germline): Likely benign. Review status: criteria provided, multiple submitters, no conflicts (2 of 4 stars). 2 submissions from 2 submitters: Likely benign (2). Last evaluated 2025-07-03.

Conditions:
HYPERHOMOCYSTEINEMIA, THROMBOTIC, CBS-RELATED. Identifiers: MedGen C3150344, OMIM 236200.
CBS-related disorder. Also called: CBS-related condition.

Submissions (2):

Labcorp Genetics (formerly Invitae), Labcorp
Classification: Likely benign for HYPERHOMOCYSTEINEMIA, THROMBOTIC, CBS-RELATED. Last evaluated: 2025-07-03. Review status: criteria provided, single submitter. Criteria: Invitae Variant Classification Sherloc (09022015). Collection method: clinical testing. Allele origin: germline.

PreventionGenetics, part of Exact Sciences
Classification: Likely benign for CBS-related condition. Last evaluated: 2024-11-08. Review status: criteria provided, single submitter. Criteria: ACMG Guidelines, 2015. Collection method: clinical testing. Allele origin: germline.
Comment: This variant is classified as likely benign based on ACMG/AMP sequence variant interpretation guidelines (Richards et al. 2015 PMID: 25741868, with internal and published modifications).

NM_000071.3(CBS):c.1223+8C>A

Gene: CBS (cystathionine beta-synthase; minus strand). Cytogenetic location: 21q22.3.
Variant type: single nucleotide variant.
Coding change: c.1223+8C>A on transcript NM_000071.3 (MANE Select); 8 bases into the intron after coding-DNA position 1223, C replaced by A.
Molecular consequence: intron variant.
Genome position (GRCh38, 1-based): chr21:43,059,218, G>T on the plus strand (C>A on the coding strand, the complement: CBS is on the minus strand). VCF-style: chr21-43059218-G-T. GRCh37 (hg19) VCF-style: chr21-44479328-G-T.
Other names: c.1223+8C>A (NM_001320298.2, NM_001178009.3, NM_001178008.3); c.908+8C>A (NM_001321072.1).
Identifiers: ClinVar variation 772660 (VCV000772660.13), dbSNP rs747888658, ClinGen allele CA321688516.